The following is an entry in ClinVar:

ClinVar aggregate classification (germline): Likely pathogenic (1 of 4 stars; one submission).

Submission:

Mayo Clinic Laboratories, Mayo Clinic
Classification: Likely pathogenic. Last evaluated: 2025-10-20. Review status: criteria provided, single submitter. Criteria: ACMG Guidelines, 2015. Collection method: clinical testing. Allele origin: germline. Observed: 1 variant allele.
Comment: PP3_strong, PM1_strong, PM2_supporting

NM_000393.5(COL5A2):c.2401G>A (p.Gly801Ser)

Gene: COL5A2 (collagen type V alpha 2 chain; minus strand). Cytogenetic location: 2q32.2.
Variant type: single nucleotide variant.
Coding change: c.2401G>A on transcript NM_000393.5 (MANE Select); coding-DNA position 2401, G replaced by A.
Protein change: p.Gly801Ser; replaces glycine 801 with serine.
Molecular consequence: missense variant.
Genome position (GRCh38, 1-based): chr2:189,054,203, C>T on the plus strand (G>A on the coding strand, the complement: COL5A2 is on the minus strand). VCF-style: chr2-189054203-C-T. GRCh37 (hg19) VCF-style: chr2-189918929-C-T.
Other names: p.Gly801Ser; short protein forms G801S.
Identifiers: ClinVar variation 4540785 (VCV004540785.1).